The following is an entry in ClinVar:

ClinVar aggregate classification (germline): Uncertain significance (1 of 4 stars; one submission).

Allele frequency attached by ClinVar (database versions not stated): gnomAD 0.00001; TOPMed 0.00001; ExAC 0.00002; gnomAD exomes 0.00002.
gnomAD v4.1: 10 of 1,613,962 alleles (0.00062%); highest among the groups gnomAD compares: Non-Finnish European, 0.00085%; no homozygotes.

Submission:

Labcorp Genetics (formerly Invitae), Labcorp
Classification: Uncertain significance. Last evaluated: 2023-08-30. Review status: criteria provided, single submitter. Criteria: Invitae Variant Classification Sherloc (09022015). Collection method: clinical testing. Allele origin: germline.
Comment: This sequence change replaces threonine, which is neutral and polar, with alanine, which is neutral and non-polar, at codon 4610 of the HMCN1 protein (p.Thr4610Ala). This variant is present in population databases (rs753576630, gnomAD 0.004%). This variant has not been reported in the literature in individuals affected with HMCN1-related conditions. ClinVar contains an entry for this variant (Variation ID: 2184225). Algorithms developed to predict the effect of missense changes on protein structure and function output the following: SIFT: "Not Available"; PolyPhen-2: "Benign"; Align-GVGD: "Not Available". The alanine amino acid residue is found in multiple mammalian species, which suggests that this missense change does not adversely affect protein function. Algorithms developed to predict the effect of sequence changes on RNA splicing suggest that this variant may disrupt the consensus splice site. In summary, the available evidence is currently insufficient to determine the role of this variant in disease. Therefore, it has been classified as a Variant of Uncertain Significance.

NM_031935.3(HMCN1):c.13828A>G (p.Thr4610Ala)

Gene: HMCN1 (hemicentin 1; plus strand). Cytogenetic location: 1q31.1.
Variant type: single nucleotide variant.
Coding change: c.13828A>G on transcript NM_031935.3 (MANE Select); coding-DNA position 13828, A replaced by G.
Protein change: p.Thr4610Ala; replaces threonine 4610 with alanine.
Molecular consequence: missense variant.
Genome position (GRCh38, 1-based): chr1:186,137,876, A>G. VCF-style: chr1-186137876-A-G. GRCh37 (hg19) VCF-style: chr1-186107008-A-G.
Other names: short protein forms T4610A.
Identifiers: ClinVar variation 2184225 (VCV002184225.4), dbSNP rs753576630, ClinGen allele CA1294769.